The following is an entry in ClinVar:

NM_000116.5(TAFAZZIN):c.110-2A>G

Genes: TAFAZZIN (tafazzin, phospholipid-lysophospholipid transacylase; plus strand), DNASE1L1 (deoxyribonuclease 1 like 1; minus strand). Cytogenetic location: Xq28.
Variant type: single nucleotide variant.
Coding change: c.110-2A>G on transcript NM_000116.5 (MANE Select); the canonical splice acceptor site of the intron before coding-DNA position 110, A replaced by G.
Molecular consequence: splice acceptor variant. On other transcripts: 5 prime UTR variant (3).
Genome position (GRCh38, 1-based): chrX:154,412,084, A>G. VCF-style: chrX-154412084-A-G. GRCh37 (hg19) VCF-style: chrX-153640421-A-G.
Other names: IVS1AS, A-G, -2; c.110-2A>G (NM_001440858.1, NM_181312.4, NM_181311.4 and 1 more transcripts); c.-624T>C (NM_001009932.3); c.-366T>C (NM_001009933.3); c.-281T>C (NM_001009934.3); c.164-2A>G (NM_001440856.1, NM_001303465.2, NM_001410698.1 and 1 more transcripts).
Identifiers: ClinVar variation 11109 (VCV000011109.10), dbSNP rs1603376833, ClinGen allele CA415179258.

ClinVar aggregate classification (germline): Pathogenic. Review status: criteria provided, multiple submitters, no conflicts (2 of 4 stars). 3 submissions from 3 submitters: Pathogenic (2). 1 of the submissions does not count toward it. Last evaluated 2020-09-16.

Conditions:
3-Methylglutaconic aciduria type 2 (BTHS). Also called: Barth syndrome; CARDIOSKELETAL MYOPATHY WITH NEUTROPENIA AND ABNORMAL MITOCHONDRIA. Identifiers: Orphanet 111, MedGen C0574083, MONDO:0010543, OMIM 302060.

Submissions (4):

Labcorp Genetics (formerly Invitae), Labcorp
Classification: Pathogenic for 3-Methylglutaconic aciduria type 2. Last evaluated: 2020-09-16. Review status: criteria provided, single submitter. Criteria: Invitae Variant Classification Sherloc (09022015). Collection method: clinical testing. Allele origin: germline.
Comment: For these reasons, this variant has been classified as Pathogenic. Donor and acceptor splice site variants typically lead to a loss of protein function (PMID: 16199547), and loss-of-function variants in TAZ are known to be pathogenic (PMID: 16427346, 22382802, 23409742). Experimental studies have shown that this variant disrupts mRNA splicing (PMID: 9345098, 25652404). This variant has been observed in individual(s) with clinical features of Barth syndrome (PMID: 9345098, 26845103). This variant is also known as 396-2A>G and IVS1–2A>G. This variant is not present in population databases (ExAC no frequency). This sequence change affects an acceptor splice site in intron 1 of the TAZ gene. It is expected to disrupt RNA splicing and likely results in an absent or disrupted protein product.

Molecular Diagnostics Lab, Nemours Children's Health, Delaware
Classification: Pathogenic for 3-Methylglutaconic aciduria type 2. Last evaluated: 2020-08-07. Review status: criteria provided, single submitter. Criteria: ACMG Guidelines, 2015. Collection method: clinical testing. Allele origin: maternal, unknown. Inheritance: X-linked inheritance. Affected: yes and no. Observed: 1 heterozygote, 2 hemizygotes.

OMIM
Classification: Pathogenic for BARTH SYNDROME. Last evaluated: 2001-03-06. Review status: no assertion criteria provided. Collection method: literature only. Allele origin: germline. Not counted in ClinVar's aggregate classification.

Dr. Peter K. Rogan Lab, Western University
No classification provided (evidence only). Condition: Thyroid cancer, nonmedullary, 1. Review status: no classification provided. Collection method: in vitro. Allele origin: not applicable. Functional consequence: retained intron. Not counted in ClinVar's aggregate classification.

Literature cited by the submitters: PubMed 16199547 (cited by Labcorp Genetics (formerly Invitae), Labcorp); PubMed 16427346 (cited by Labcorp Genetics (formerly Invitae), Labcorp); PubMed 22382802 (cited by Labcorp Genetics (formerly Invitae), Labcorp); PubMed 23409742 (cited by Labcorp Genetics (formerly Invitae), Labcorp); PubMed 9345098 (cited by Labcorp Genetics (formerly Invitae), Labcorp); PubMed 25652404 (cited by Labcorp Genetics (formerly Invitae), Labcorp); PubMed 26845103 (cited by Labcorp Genetics (formerly Invitae), Labcorp); PubMed 11238270 (cited by Molecular Diagnostics Lab, Nemours Children's Health, Delaware and OMIM).